The following is an entry in ClinVar:

Multiple alleles

Variant type: Haplotype.
Identifiers: ClinVar variation 1706041 (VCV001706041.1).

ClinVar aggregate classification (germline): Pathogenic (1 of 4 stars; one submission).

Conditions:
Cystic fibrosis (CF). Also called: MUCOVISCIDOSIS. Identifiers: Orphanet 586, MedGen C0010674, MONDO:0009061, OMIM 219700. Disease mechanism: loss of function.

Submission:

Institute of Human Genetics, University of Leipzig Medical Center
Classification: Pathogenic for Cystic fibrosis. Last evaluated: 2022-09-05. Review status: criteria provided, single submitter. Criteria: ACMG Guidelines, 2015. Collection method: curation. Allele origin: unknown. Affected: yes. Observed: 1 variant allele.
Comment: The variant was classified in the context of a project re-classifying variants in the German Cystic Fibrosis Registry (Muko.e.V.). Criteria applied: PVS1, PM2_SUP, PM3_STR, PP4 This variant has previously been described in the literature as: c.(164+1_165-1)_(1584+1_1585-1)del(2619+1_2620-1) or CFTRdele3-10,14b-16